The following is an entry in ClinVar:

ClinVar aggregate classification (germline): Uncertain significance (1 of 4 stars; one submission).

Conditions:
Ehlers-Danlos syndrome, classic type, 1 (EDSCL1). Also called: EHLERS-DANLOS SYNDROME, GRAVIS TYPE; EHLERS-DANLOS SYNDROME, SEVERE CLASSIC TYPE; Ehlers-Danlos syndrome, type 1; Ehlers-Danlos Syndrome, Classic Type, COL5A1-Related; EDS I. Identifiers: MedGen C0268335, MONDO:0019567, OMIM 130000.

Submission:

Victorian Clinical Genetics Services, Murdoch Childrens Research Institute
Classification: Uncertain significance for Ehlers-Danlos syndrome, classic type, 1. Last evaluated: 2024-10-09. Review status: criteria provided, single submitter. Criteria: ACMG Guidelines, 2015. Collection method: clinical testing. Allele origin: germline. Inheritance: Autosomal dominant inheritance.
Comment: Based on the classification scheme VCGS_Germline_v1.3.4, this variant is classified as VUS-3A. Following criteria are met: 0102 - Loss of function is a known mechanism of disease in this gene and is associated with classic type Ehlers-Danlos syndrome 1 (MIM#130000) whereas the mechanism of disease for multifocal fibromuscular dysplasia (MIM#619329) is unknown. Dominant negative is a suggested mechanism of disease (PMID: 32720758). (I) 0107 - This gene is associated with autosomal dominant disease. (I) 0200 - Variant is predicted to result in a missense amino acid change from glycine to valine. (I) 0251 - This variant is heterozygous. (I) 0301 - Variant is absent from gnomAD (both v2 and v3). (SP) 0309 - An alternative amino acid change at the same position has been observed in gnomAD (v3) (1 heterozygote, 0 homozygotes). (I) 0501 - Missense variant consistently predicted to be damaging by multiple in silico tools or highly conserved with a major amino acid change. (SP) 0601 - Variant is located in the well-established functional Gly-X-Y motif within the collagen repeat domain, and affects a glycine residue (DECIPHER). However, this is not a well established mechanism of disease in this gene. (SP) 0710 - Another missense variant comparable to the one identified in this case has inconclusive previous evidence for pathogenicity. p.(Gly937Arg) has been reported as a VUS twice (ClinVar). (I) 0807 - This variant has no previous evidence of pathogenicity. (I) 0905 - No published segregation evidence has been identified for this variant. (I) 1007 - No published functional evidence has been identified for this variant. (I) Legend: (SP) - Supporting pathogenic, (I) - Information, (SB) - Supporting benign

Literature cited by the submitters: PubMed 32720758.

NM_000093.5(COL5A1):c.2810G>T (p.Gly937Val)

Gene: COL5A1 (collagen type V alpha 1 chain; plus strand). Cytogenetic location: 9q34.3.
Variant type: single nucleotide variant.
Coding change: c.2810G>T on transcript NM_000093.5 (MANE Select); coding-DNA position 2810, G replaced by T.
Protein change: p.Gly937Val; replaces glycine 937 with valine.
Molecular consequence: missense variant.
Genome position (GRCh38, 1-based): chr9:134,796,384, G>T. VCF-style: chr9-134796384-G-T. GRCh37 (hg19) VCF-style: chr9-137688230-G-T.
Other names: c.2810G>T, p.Gly937Val (NM_001278074.1); short protein forms G937V.
Identifiers: ClinVar variation 3377171 (VCV003377171.1).